The following is an entry in ClinVar:

ClinVar aggregate classification (germline): Uncertain significance (1 of 4 stars; one submission).

Conditions:
Hereditary cancer-predisposing syndrome. Also called: Tumor predisposition; Neoplastic Syndromes, Hereditary; Hereditary Cancer Syndrome; Hereditary neoplastic syndrome. Identifiers: Orphanet 140162, MedGen C0027672, MeSH D009386, MONDO:0015356.

Submission:

Ambry Genetics
Classification: Uncertain significance for Hereditary cancer-predisposing syndrome. Last evaluated: 2020-05-28. Review status: criteria provided, single submitter. Criteria: Ambry Variant Classification Scheme 2023. Collection method: clinical testing. Allele origin: germline.
Comment: The p.T1038S variant (also known as c.3112A>T), located in coding exon 19 of the BRIP1 gene, results from an A to T substitution at nucleotide position 3112. The threonine at codon 1038 is replaced by serine, an amino acid with similar properties. This amino acid position is not well conserved in available vertebrate species. In addition, this alteration is predicted to be tolerated by in silico analysis. Since supporting evidence is limited at this time, the clinical significance of this alteration remains unclear.

NM_032043.3(BRIP1):c.3112A>T (p.Thr1038Ser)

Gene: BRIP1 (BRCA1 interacting DNA helicase 1; minus strand). Cytogenetic location: 17q23.2.
Variant type: single nucleotide variant.
Coding change: c.3112A>T on transcript NM_032043.3 (MANE Select); coding-DNA position 3112, A replaced by T.
Protein change: p.Thr1038Ser; replaces threonine 1038 with serine.
Molecular consequence: missense variant.
Genome position (GRCh38, 1-based): chr17:61,683,934, T>A on the plus strand (A>T on the coding strand, the complement: BRIP1 is on the minus strand). VCF-style: chr17-61683934-T-A. GRCh37 (hg19) VCF-style: chr17-59761295-T-A.
Other names: short protein forms T1038S.
Identifiers: ClinVar variation 1727763 (VCV001727763.2), dbSNP rs2061319595, ClinGen allele CA400479703.
Genomic context (GRCh38, chr17:61,683,934, plus strand): 5'-GATTTGAGGATTCACATTTATCAGTGAAGGGCAAAACAGTTTTACTTTCCATCTTCTCTG[T>A]TTTGAAACGGGGAGGACTAGAGGCACTATTCTCTGATGACCCGAGCTCAGGTGTTGCCTT-3'
Protein context (NP_114432.2, residues 1028-1048): NSASSPPRFK[Thr1038Ser]EKMESKTVLP